The following is an entry in ClinVar:

NM_000628.5(IL10RB):c.203A>T (p.Asn68Ile)

Genes: IFNAR2-IL10RB (IFNAR2-IL10RB readthrough; plus strand), IL10RB (interleukin 10 receptor subunit beta; plus strand). Cytogenetic location: 21q22.11.
Variant type: single nucleotide variant.
Coding change: c.203A>T on transcript NM_000628.5 (MANE Select); coding-DNA position 203, A replaced by T.
Protein change: p.Asn68Ile; replaces asparagine 68 with isoleucine.
Molecular consequence: missense variant.
Genome position (GRCh38, 1-based): chr21:33,276,625, A>T. VCF-style: chr21-33276625-A-T. GRCh37 (hg19) VCF-style: chr21-34648930-A-T.
Other names: c.863A>T, p.Asn288Ile (NM_001414505.1); c.203A>T, p.Asn68Ile (NM_001405849.1, NM_001405850.1, NM_001406840.1); short protein forms N288I, N68I.
Identifiers: ClinVar variation 1966309 (VCV001966309.5), dbSNP rs902877755, ClinGen allele CA320146191.

ClinVar aggregate classification (germline): Uncertain significance (1 of 4 stars; one submission).

Conditions:
Inflammatory bowel disease 25. Also called: Inflammatory bowel disease 25, early onset, autosomal recessive. Identifiers: Orphanet 238569, MedGen C2675508, MONDO:0012941, OMIM 612567.

Allele frequency attached by ClinVar (database versions not stated): TOPMed below 0.00001.

Submission:

Labcorp Genetics (formerly Invitae), Labcorp
Classification: Uncertain significance for Inflammatory bowel disease 25. Last evaluated: 2022-10-17. Review status: criteria provided, single submitter. Criteria: Invitae Variant Classification Sherloc (09022015). Collection method: clinical testing. Allele origin: germline.
Comment: In summary, the available evidence is currently insufficient to determine the role of this variant in disease. Therefore, it has been classified as a Variant of Uncertain Significance. Advanced modeling of protein sequence and biophysical properties (such as structural, functional, and spatial information, amino acid conservation, physicochemical variation, residue mobility, and thermodynamic stability) performed at Invitae indicates that this missense variant is expected to disrupt IL10RB protein function. This variant has not been reported in the literature in individuals affected with IL10RB-related conditions. This variant is not present in population databases (gnomAD no frequency). This sequence change replaces asparagine, which is neutral and polar, with isoleucine, which is neutral and non-polar, at codon 68 of the IL10RB protein (p.Asn68Ile).